The following is an entry in ClinVar:

NM_002098.6(GUCA1B):c.476-1G>A

Gene: GUCA1B (guanylate cyclase activator 1B; minus strand). Cytogenetic location: 6p21.1.
Variant type: single nucleotide variant.
Coding change: c.476-1G>A on transcript NM_002098.6 (MANE Select); the canonical splice acceptor site of the intron before coding-DNA position 476, G replaced by A.
Molecular consequence: splice acceptor variant.
Genome position (GRCh38, 1-based): chr6:42,184,943, C>T on the plus strand (G>A on the coding strand, the complement: GUCA1B is on the minus strand). VCF-style: chr6-42184943-C-T. GRCh37 (hg19) VCF-style: chr6-42152681-C-T.
Identifiers: ClinVar variation 1464125 (VCV001464125.6), dbSNP rs1165115435, ClinGen allele CA364112296.

ClinVar aggregate classification (germline): Uncertain significance (1 of 4 stars; one submission).

Allele frequency attached by ClinVar (database versions not stated): gnomAD exomes below 0.00001.
gnomAD v4.1: 1 of 1,614,140 alleles (0.000062%); highest among the groups gnomAD compares: Non-Finnish European, 0.000085%; no homozygotes.

Submission:

Labcorp Genetics (formerly Invitae), Labcorp
Classification: Uncertain significance. Last evaluated: 2023-08-30. Review status: criteria provided, single submitter. Criteria: Invitae Variant Classification Sherloc (09022015). Collection method: clinical testing. Allele origin: germline.
Comment: In summary, the available evidence is currently insufficient to determine the role of this variant in disease. Therefore, it has been classified as a Variant of Uncertain Significance. Variants that disrupt the consensus splice site are a relatively common cause of aberrant splicing (PMID: 17576681, 9536098). Algorithms developed to predict the effect of sequence changes on RNA splicing suggest that this variant may disrupt the consensus splice site. ClinVar contains an entry for this variant (Variation ID: 1464125). This variant has not been reported in the literature in individuals affected with GUCA1B-related conditions. This variant is present in population databases (no rsID available, gnomAD 0.0009%). This sequence change falls in intron 3 of the GUCA1B gene. It does not directly change the encoded amino acid sequence of the GUCA1B protein. It affects a nucleotide within the consensus splice site.

Literature cited by the submitters: PubMed 17576681; PubMed 9536098.